The following is an entry in ClinVar:

NM_203447.4(DOCK8):c.3337T>C (p.Phe1113Leu)

Gene: DOCK8 (dedicator of cytokinesis 8; plus strand). Cytogenetic location: 9p24.3.
Variant type: single nucleotide variant.
Coding change: c.3337T>C on transcript NM_203447.4 (MANE Select); coding-DNA position 3337, T replaced by C.
Protein change: p.Phe1113Leu; replaces phenylalanine 1113 with leucine.
Molecular consequence: missense variant.
Genome position (GRCh38, 1-based): chr9:405,020, T>C. VCF-style: chr9-405020-T-C. GRCh37 (hg19) VCF-style: chr9-405020-T-C.
Other names: c.3037T>C, p.Phe1013Leu (NM_001190458.2); c.3133T>C, p.Phe1045Leu (NM_001193536.2); short protein forms F1013L, F1045L, F1113L.
Identifiers: ClinVar variation 862910 (VCV000862910.9), dbSNP rs779343060, ClinGen allele CA4958642.

ClinVar aggregate classification (germline): Uncertain significance. Review status: criteria provided, multiple submitters, no conflicts (2 of 4 stars). 3 submissions from 3 submitters: Uncertain significance (3). Last evaluated 2025-09-10.

Conditions:
Combined immunodeficiency due to DOCK8 deficiency (HIES2). Also called: HYPER-IgE RECURRENT INFECTION SYNDROME 2, AUTOSOMAL RECESSIVE; Hyper-IgE recurrent infection syndrome, autosomal recessive; HYPER-IgE SYNDROME 2, AUTOSOMAL RECESSIVE, WITH RECURRENT INFECTIONS; HIES autosomal recessive; DOCK8 Deficiency. Identifiers: Orphanet 217390, MedGen C4722305, MONDO:0009478, OMIM 243700.

Allele frequency attached by ClinVar (database versions not stated): gnomAD 0.00011 and 0.00013; TOPMed 0.00016.
gnomAD v4.1: 67 of 1,613,962 alleles (0.0042%); highest among the groups gnomAD compares: Middle Eastern, 0.13%; no homozygotes.

Submissions (3):

Genomic Medicine Center of Excellence, King Faisal Specialist Hospital and Research Centre
Classification: Uncertain significance for Combined immunodeficiency due to DOCK8 deficiency. Last evaluated: 2025-09-10. Review status: criteria provided, single submitter. Criteria: ACMG Guidelines, 2015. Collection method: clinical testing. Allele origin: germline.

Blueprint Genetics
Classification: Uncertain significance. Last evaluated: 2024-10-07. Review status: criteria provided, single submitter. Criteria: ACMG Guidelines, 2015. Collection method: clinical testing. Allele origin: germline.

Labcorp Genetics (formerly Invitae), Labcorp
Classification: Uncertain significance for Combined immunodeficiency due to DOCK8 deficiency. Last evaluated: 2022-06-03. Review status: criteria provided, single submitter. Criteria: Invitae Variant Classification Sherloc (09022015). Collection method: clinical testing. Allele origin: germline.
Comment: This sequence change replaces phenylalanine, which is neutral and non-polar, with leucine, which is neutral and non-polar, at codon 1113 of the DOCK8 protein (p.Phe1113Leu). This variant is present in population databases (rs779343060, gnomAD 0.01%). This variant has not been reported in the literature in individuals affected with DOCK8-related conditions. ClinVar contains an entry for this variant (Variation ID: 862910). Algorithms developed to predict the effect of missense changes on protein structure and function are either unavailable or do not agree on the potential impact of this missense change (SIFT: "Tolerated"; PolyPhen-2: "Probably Damaging"; Align-GVGD: "Class C0"). In summary, the available evidence is currently insufficient to determine the role of this variant in disease. Therefore, it has been classified as a Variant of Uncertain Significance.